The following is an entry in ClinVar:

ClinVar aggregate classification (germline): Pathogenic/Likely pathogenic. Review status: criteria provided, multiple submitters, no conflicts (2 of 4 stars). 26 submissions from 24 submitters: Pathogenic (20); Likely pathogenic (5). 1 of the submissions does not count toward it. Last evaluated 2026-07-08.

Conditions:
CHEK2-related disorder.
Hereditary breast ovarian cancer syndrome. Also called: Hereditary breast and ovarian cancer syndrome; Hereditary breast and ovarian cancer; Hereditary breast and ovarian cancer syndrome (HBOC); Hereditary breast and/or ovarian cancer syndrome; Breast and ovarian cancer; BRCA1- and BRCA2-Associated Hereditary Breast and Ovarian Cancer. Identifiers: Orphanet 145, MedGen C0677776, MeSH D061325, MONDO:0003582. Disease mechanism: loss of function.
Breast and/or ovarian cancer. Identifiers: MedGen CN221562.
Breast-ovarian cancer, familial, susceptibility to, 1 (BROVCA1). Also called: OVARIAN CANCER, SUSCEPTIBILITY TO; BRCA1 Hereditary Breast and Ovarian Cancer. Identifiers: Orphanet 145, MedGen C2676676, MONDO:0011450, OMIM 604370. Disease mechanism: loss of function.
CHEK2-related cancer predisposition (TPDS4). Also called: TUMOR PREDISPOSITION SYNDROME 4; CANCER PREDISPOSITION SYNDROME, CHEK2-RELATED; CHEK2-related cancer susceptibility. Identifiers: Orphanet 524, MedGen C5882668, MONDO:0700271, OMIM 609265.
Familial cancer of breast. Also called: hereditary breast carcinoma; Hereditary breast cancer; BREAST CANCER, FAMILIAL. Identifiers: Orphanet 227535, MedGen C0346153, MONDO:0016419, OMIM 114480. Disease mechanism: loss of function.
Hereditary cancer-predisposing syndrome. Also called: Hereditary Cancer Syndrome; Tumor predisposition; Hereditary neoplastic syndrome; Neoplastic Syndromes, Hereditary. Identifiers: Orphanet 140162, MedGen C0027672, MeSH D009386, MONDO:0015356.

Allele frequency attached by ClinVar (database versions not stated): gnomAD exomes below 0.00001 and 0.00001; ExAC 0.00002; ESP Exome Variant Server 0.00008.
gnomAD v4.1: 5 of 1,613,818 alleles (0.00031%); highest among the groups gnomAD compares: Middle Eastern, 0.017%; no homozygotes.

Submissions 1 to 16 of 26:

Institute of Human Genetics, University of Leipzig Medical Center
Classification: Pathogenic for CHEK2-related cancer predisposition. Last evaluated: 2026-07-08. Review status: criteria provided, single submitter. Criteria: ACMG Guidelines, 2015. Collection method: clinical testing. Allele origin: maternal. Inheritance: Autosomal dominant inheritance. Affected: yes.
Comment: Criteria applied: PVS1,PM2_SUP,PM5_SUP

Labcorp Genetics (formerly Invitae), Labcorp
Classification: Pathogenic for Familial cancer of breast. Last evaluated: 2026-01-18. Review status: criteria provided, single submitter. Criteria: Invitae Variant Classification Sherloc (09022015). Collection method: clinical testing. Allele origin: germline.
Comment: This sequence change creates a premature translational stop signal (p.Trp411*) in the CHEK2 gene. It is expected to result in an absent or disrupted protein product. Loss-of-function variants in CHEK2 are known to be pathogenic (PMID: 21876083, 24713400). This variant is present in population databases (rs371418985, gnomAD 0.002%). This premature translational stop signal has been observed in individual(s) with breast cancer (PMID: 29271107, 29785153, 35220195). This variant is also known as p.Trp454*. ClinVar contains an entry for this variant (Variation ID: 234505). Algorithms developed to predict the effect of sequence changes on RNA splicing suggest that this variant may disrupt the consensus splice site. For these reasons, this variant has been classified as Pathogenic.

Color Diagnostics, LLC DBA Color Health
Classification: Pathogenic for Hereditary cancer-predisposing syndrome. Last evaluated: 2025-12-15. Review status: criteria provided, single submitter. Criteria: ACMG Guidelines, 2015. Collection method: clinical testing. Allele origin: germline.
Comment: This variant changes 1 nucleotide in exon 11 of the CHEK2 gene, creating a premature translation stop signal. This variant is expected to result in an absent or non-functional protein product. This variant has been reported in individuals affected with early-onset breast cancer (PMID: 29271107, 35127508, 36011273), breast cancer (PMID: 29785153, 33925588, 33471991), a family history of breast cancer (DOI: 10.14744/ejmo.2022.88057), unspecified cancer (PMID: 35089076, 37065479), as well as in unaffected individuals (PMID: 34732190, 33471991). This variant has been identified in 2/250178 chromosomes in the general population by the Genome Aggregation Database (gnomAD). Loss of CHEK2 function is a known mechanism of disease. Based on the available evidence, this variant is classified as Pathogenic.

CeGaT Center for Human Genetics Tuebingen
Classification: Pathogenic. Last evaluated: 2025-12-01. Review status: criteria provided, single submitter. Criteria: CeGaT Center For Human Genetics Tuebingen Variant Classification Criteria Version 2. Collection method: clinical testing. Allele origin: germline. Affected: yes. Observed: 3 variant alleles.
Comment: CHEK2: PVS1, PM2, PS4:Moderate

Hema, HEMA – Genetic and Molecular Diagnostic Laboratory
Classification: Likely pathogenic for CHEK2-related cancer predisposition. Last evaluated: 2025-09-14. Review status: criteria provided, single submitter. Criteria: HEMA Variant Classification Assertion Criteria. Collection method: clinical testing. Allele origin: germline.
Comment: It is a transition from cytosine to thymine that results in a premature stop codon in CHEK2. PVS1: Null variant (nonsense) in a gene for which loss of function is a known disease mechanism. It is a nonsense variant that results in a premature stop codon in exon 11/15, which is predicted to lead to nonsense-mediated decay (NMD) of the transcript. PM2_Supporting: Present at very low frequency in the gnomAD v4.1.0 database.

Revvity Omics, Revvity
Classification: Pathogenic. Last evaluated: 2025-07-22. Review status: criteria provided, single submitter. Criteria: ACMG Guidelines, 2015. Collection method: clinical testing. Allele origin: germline.

Molecular Pathology, Peter Maccallum Cancer Centre
Classification: Pathogenic for Familial cancer of breast. Last evaluated: 2025-04-14. Review status: criteria provided, single submitter. Criteria: ACMG Guidelines, 2015. Collection method: clinical testing. Allele origin: germline. Inheritance: Autosomal dominant inheritance.

Institute of Human Genetics, University of Leipzig Medical Center
Classification: Pathogenic for Breast-ovarian cancer, familial, susceptibility to, 1. Last evaluated: 2025-04-08. Review status: criteria provided, single submitter. Criteria: ACMG Guidelines, 2015. Collection method: clinical testing. Allele origin: unknown. Inheritance: Autosomal dominant inheritance. Affected: yes.

Blueprint Genetics
Classification: Pathogenic for CHEK2-related disorders. Last evaluated: 2024-10-17. Review status: criteria provided, single submitter. Criteria: ACMG Guidelines, 2015. Collection method: clinical testing. Allele origin: germline. Affected: yes. Observed: 4 variant alleles.

Institute of Human Genetics, University of Leipzig Medical Center
Classification: Pathogenic for Familial cancer of breast. Last evaluated: 2024-08-21. Review status: criteria provided, single submitter. Criteria: ACMG Guidelines, 2015. Collection method: clinical testing. Allele origin: unknown. Inheritance: Autosomal dominant inheritance. Affected: yes.
Comment: Criteria applied: PVS1,PS4_MOD

Ambry Genetics
Classification: Pathogenic for Hereditary cancer-predisposing syndrome. Last evaluated: 2024-01-12. Review status: criteria provided, single submitter. Criteria: Ambry Variant Classification Scheme 2023. Collection method: clinical testing. Allele origin: germline.
Comment: The p.W411* pathogenic mutation (also known as c.1232G>A), located in coding exon 10 of the CHEK2 gene, results from a G to A substitution at nucleotide position 1232. This changes the amino acid from a tryptophan to a stop codon within coding exon 10. This mutation has been identified in multiple breast cancer patients (Coppa A et al. Cancer Med, 2018 01;7:46-55; Goidescu IG et al. Clujul Med, 2018 Apr;91:157-165). In addition to the clinical data presented in the literature, this alteration is expected to result in loss of function by premature protein truncation or nonsense-mediated mRNA decay. As such, this alteration is interpreted as a disease-causing mutation.

Quest Diagnostics Nichols Institute San Juan Capistrano
Classification: Pathogenic. Last evaluated: 2023-08-11. Review status: criteria provided, single submitter. Criteria: Quest Diagnostics criteria. Collection method: clinical testing. Allele origin: unknown.
Comment: This variant causes the premature termination of CHEK2 protein synthesis. In the published literature, this variant has been reported in an individual with colon cancer (PMID: 35418818 (2022)), and in multiple individuals and families with breast/ovarian cancer (PMIDs: 35220195 (2022), 33925588 (2021), 31159747 (2019), 29785153 (2018), 29271107 (2018)). The frequency of this variant in the general population, 0.000008 (2/250178 chromosomes (Genome Aggregation Database)), is consistent with pathogenicity. Based on the available information, this variant is classified as pathogenic.

Baylor Genetics
Classification: Pathogenic for Familial cancer of breast. Last evaluated: 2023-04-16. Review status: criteria provided, single submitter. Criteria: ACMG Guidelines, 2015. Collection method: clinical testing. Allele origin: unknown.

Myriad Genetics, Inc.
Classification: Pathogenic for Familial cancer of breast. Last evaluated: 2023-03-08. Review status: criteria provided, single submitter. Criteria: Myriad Autosomal Dominant, Autosomal Recessive and X-Linked Classification Criteria (2023). Collection method: clinical testing. Allele origin: unknown.
Comment: This variant is considered pathogenic. This variant creates a termination codon and is predicted to result in premature protein truncation.

CHEO Genetics Diagnostic Laboratory, Children's Hospital of Eastern Ontario
Classification: Pathogenic for Breast and/or ovarian cancer. Last evaluated: 2022-07-19. Review status: criteria provided, single submitter. Criteria: ACMG Guidelines, 2015. Collection method: clinical testing. Allele origin: germline.

Clinical Genetics Laboratory, Skane University Hospital Lund
Classification: Pathogenic. Last evaluated: 2022-05-27. Review status: criteria provided, single submitter. Criteria: ACMG Guidelines, 2015. Collection method: clinical testing. Allele origin: germline. Affected: yes.

NM_007194.4(CHEK2):c.1232G>A (p.Trp411Ter)

Gene: CHEK2 (checkpoint kinase 2; minus strand). Cytogenetic location: 22q12.1.
Variant type: single nucleotide variant.
Coding change: c.1232G>A on transcript NM_007194.4 (MANE Select); coding-DNA position 1232, G replaced by A.
Protein change: p.Trp411Ter; replaces tryptophan 411 with a stop codon.
Molecular consequence: nonsense.
Genome position (GRCh38, 1-based): chr22:28,695,737, C>T on the plus strand (G>A on the coding strand, the complement: CHEK2 is on the minus strand). VCF-style: chr22-28695737-C-T. GRCh37 (hg19) VCF-style: chr22-29091725-C-T.
Other names: c.1361G>A, p.Trp454Ter (NM_001005735.3); c.569G>A, p.Trp190Ter (NM_001257387.3); c.1031G>A, p.Trp344Ter (NM_001349956.3); c.1145G>A, p.Trp382Ter (NM_145862.3); short protein forms W411*, W382*, W190*, W344*, W454*.
Identifiers: ClinVar variation 234505 (VCV000234505.83), dbSNP rs371418985, ClinGen allele CA10167706.